The following is an entry in ClinVar:

NM_003107.3(SOX4):c.851C>G (p.Pro284Arg)

Genes: SOX4 (SRY-box transcription factor 4; plus strand), LOC129995965 (ATAC-STARR-seq lymphoblastoid silent region 16985; plus strand). Cytogenetic location: 6p22.3.
Variant type: single nucleotide variant.
Coding change: c.851C>G on transcript NM_003107.3 (MANE Select); coding-DNA position 851, C replaced by G.
Protein change: p.Pro284Arg; replaces proline 284 with arginine.
Molecular consequence: missense variant.
Genome position (GRCh38, 1-based): chr6:21,595,385, C>G. VCF-style: chr6-21595385-C-G. GRCh37 (hg19) VCF-style: chr6-21595616-C-G.
Other names: short protein forms P284R.
Identifiers: ClinVar variation 2662331 (VCV002662331.1), dbSNP rs1763117630, ClinGen allele CA363271448.
Genomic context (GRCh38, chr6:21,595,385, plus strand): 5'-CTCCCAGCGCCTCGGCCTCCGCCTCCTCGGCAGCCTCGGCCTCCGCAGCGCTCGCGGCCC[C>G]GGGCAAGCACCTGGCGGAGAAGAAGGTGAAGCGCGTCTACCTGTTCGGCGGCCTGGGCAC-3'
Protein context (NP_003098.1, residues 274-294): AASASAALAA[Pro284Arg]GKHLAEKKVK

ClinVar aggregate classification (germline): Uncertain significance (1 of 4 stars; one submission).

Allele frequency attached by ClinVar (database versions not stated): gnomAD 0.00001.
gnomAD v4.1: 3 of 1,537,684 alleles (0.0002%); highest among the groups gnomAD compares: South Asian, 0.0012%; no homozygotes.

Submission:

GeneDx
Classification: Uncertain significance. Last evaluated: 2023-05-15. Review status: criteria provided, single submitter. Criteria: GeneDx Variant Classification Process June 2021. Collection method: clinical testing. Allele origin: germline. Affected: yes.
Comment: Not observed at significant frequency in large population cohorts (gnomAD); In silico analysis supports that this missense variant has a deleterious effect on protein structure/function; Has not been previously published as pathogenic or benign to our knowledge